The following is an entry in ClinVar:

NM_000937.5(POLR2A):c.5400C>A (p.Thr1800=)

Gene: POLR2A (RNA polymerase II subunit A; plus strand). Cytogenetic location: 17p13.1.
Variant type: single nucleotide variant.
Coding change: c.5400C>A on transcript NM_000937.5 (MANE Select); coding-DNA position 5400, C replaced by A.
Protein change: p.Thr1800=; no amino-acid change (threonine 1800 retained).
Molecular consequence: synonymous variant.
Genome position (GRCh38, 1-based): chr17:7,513,664, C>A. VCF-style: chr17-7513664-C-A. GRCh37 (hg19) VCF-style: chr17-7416983-C-A.
Identifiers: ClinVar variation 2647364 (VCV002647364.24), dbSNP rs372458097, ClinGen allele CA8350569.
Genomic context (GRCh38, chr17:7,513,664, plus strand): 5'-CCCTAACTACAGCCCAACCTCTCCAAGCTACTCTCCAACATCACCCAGCTATTCCCCGAC[C>A]TCACCAAGTTACTCCCCTTCCAGCCCACGATACACACCACAGTCTCCAACCTATACCCCA-3'
Protein context (NP_000928.1, residues 1790-1810): YSPTSPSYSP[Thr1800=]SPSYSPSSPR

ClinVar aggregate classification (germline): Likely benign (1 of 4 stars; one submission).

Allele frequency attached by ClinVar (database versions not stated): gnomAD exomes 0.00002; TOPMed 0.00003; ExAC 0.00005; ESP Exome Variant Server 0.00008.

Submission:

CeGaT Center for Human Genetics Tuebingen
Classification: Likely benign. Last evaluated: 2023-01-01. Review status: criteria provided, single submitter. Criteria: CeGaT Center For Human Genetics Tuebingen Variant Classification Criteria Version 2. Collection method: clinical testing. Allele origin: germline. Affected: yes. Observed: 1 variant allele.
Comment: POLR2A: BP4, BP7